The following is an entry in ClinVar:

ClinVar aggregate classification (germline): Uncertain significance (1 of 4 stars; one submission).

Conditions:
Early-infantile DEE. Also called: Ohtahara syndrome; Early infantile epileptic encephalopathy with suppression bursts; Early infantile epileptic encephalopathy. Identifiers: Orphanet 1934, MedGen C0393706, MONDO:0800491.

Submission:

Labcorp Genetics (formerly Invitae), Labcorp
Classification: Uncertain significance for Early-infantile DEE. Last evaluated: 2022-07-12. Review status: criteria provided, single submitter. Criteria: Invitae Variant Classification Sherloc (09022015). Collection method: clinical testing. Allele origin: germline.
Comment: In summary, the available evidence is currently insufficient to determine the role of this variant in disease. Therefore, it has been classified as a Variant of Uncertain Significance. Algorithms developed to predict the effect of sequence changes on RNA splicing suggest that this variant may create or strengthen a splice site. Advanced modeling of protein sequence and biophysical properties (such as structural, functional, and spatial information, amino acid conservation, physicochemical variation, residue mobility, and thermodynamic stability) performed at Invitae indicates that this missense variant is expected to disrupt SCN1A protein function. ClinVar contains an entry for this variant (Variation ID: 1042883). This variant has not been reported in the literature in individuals affected with SCN1A-related conditions. This variant is not present in population databases (gnomAD no frequency). This sequence change replaces aspartic acid, which is acidic and polar, with tyrosine, which is neutral and polar, at codon 749 of the SCN1A protein (p.Asp749Tyr).

NM_001165963.4(SCN1A):c.2245G>T (p.Asp749Tyr)

Gene: SCN1A (sodium voltage-gated channel alpha subunit 1; minus strand). Cytogenetic location: 2q24.3.
Variant type: single nucleotide variant.
Coding change: c.2245G>T on transcript NM_001165963.4 (MANE Select); coding-DNA position 2245, G replaced by T.
Protein change: p.Asp749Tyr; replaces aspartic acid 749 with tyrosine.
Molecular consequence: missense variant. On other transcripts: 5 prime UTR variant (1), non-coding transcript variant (1).
Genome position (GRCh38, 1-based): chr2:166,041,401, C>A on the plus strand (G>T on the coding strand, the complement: SCN1A is on the minus strand). VCF-style: chr2-166041401-C-A. GRCh37 (hg19) VCF-style: chr2-166897911-C-A.
Other names: c.2161G>T, p.Asp721Tyr (NM_001165964.3, NM_001353957.2, NM_001353958.2); c.2245G>T, p.Asp749Tyr (NM_001202435.3, NM_001353948.2); c.2212G>T, p.Asp738Tyr (NM_001353949.2, NM_001353950.2, NM_001353951.2 and 2 more transcripts); c.2209G>T, p.Asp737Tyr (NM_001353954.2, NM_001353955.2); c.2158G>T, p.Asp720Tyr (NM_001353960.2); c.-214G>T (NM_001353961.2); short protein forms D720Y, D738Y, D721Y, D737Y, D749Y.
Identifiers: ClinVar variation 1042883 (VCV001042883.9), dbSNP rs1697156587, ClinGen allele CA349064915.